The following is an entry in ClinVar:

NM_014714.4(IFT140):c.4286T>C (p.Leu1429Pro)

Gene: IFT140 (intraflagellar transport 140; minus strand). Cytogenetic location: 16p13.3.
Variant type: single nucleotide variant.
Coding change: c.4286T>C on transcript NM_014714.4 (MANE Select); coding-DNA position 4286, T replaced by C.
Protein change: p.Leu1429Pro; replaces leucine 1429 with proline.
Molecular consequence: missense variant.
Genome position (GRCh38, 1-based): chr16:1,511,047, A>G on the plus strand (T>C on the coding strand, the complement: IFT140 is on the minus strand). VCF-style: chr16-1511047-A-G. GRCh37 (hg19) VCF-style: chr16-1561048-A-G.
Other names: short protein forms L1429P.
Identifiers: ClinVar variation 3578467 (VCV003578467.2).

ClinVar aggregate classification (germline): Uncertain significance. Review status: criteria provided, multiple submitters, no conflicts (2 of 4 stars). 2 submissions from 2 submitters: Uncertain significance (2). Last evaluated 2025-09-15.

Conditions:
Saldino-Mainzer syndrome (SRTD9). Also called: CONORENAL SYNDROME; SHORT-RIB THORACIC DYSPLASIA 9 WITHOUT POLYDACTYLY; Renal dysplasia, retinal pigmentary dystrophy, cerebellar ataxia and skeletal dysplasia; short-rib thoracic dysplasia 9 with or without polydactyly. Identifiers: Orphanet 140969, MedGen C1849437, MONDO:0009964, OMIM 266920.
Retinitis pigmentosa 80 (RP80). Identifiers: MedGen C4540439, MONDO:0054708, OMIM 617781.

gnomAD v4.1: 2 of 1,606,720 alleles (0.00012%); highest among the groups gnomAD compares: East Asian, 0.0022%; no homozygotes.

Submissions (2):

Labcorp Genetics (formerly Invitae), Labcorp
Classification: Uncertain significance for Saldino-Mainzer syndrome. Last evaluated: 2025-09-15. Review status: criteria provided, single submitter. Criteria: Invitae Variant Classification Sherloc (09022015). Collection method: clinical testing. Allele origin: germline.
Comment: This sequence change replaces leucine, which is neutral and non-polar, with proline, which is neutral and non-polar, at codon 1429 of the IFT140 protein (p.Leu1429Pro). This variant is not present in population databases (gnomAD no frequency). This variant has not been reported in the literature in individuals affected with IFT140-related conditions. ClinVar contains an entry for this variant (Variation ID: 3578467). Invitae Evidence Modeling of protein sequence and biophysical properties (such as structural, functional, and spatial information, amino acid conservation, physicochemical variation, residue mobility, and thermodynamic stability) indicates that this missense variant is not expected to disrupt IFT140 protein function with a negative predictive value of 80%. In summary, the available evidence is currently insufficient to determine the role of this variant in disease. Therefore, it has been classified as a Variant of Uncertain Significance.

Fulgent Genetics
Classification: Uncertain significance for Saldino-Mainzer syndrome; Retinitis pigmentosa 80. Last evaluated: 2024-06-17. Review status: criteria provided, single submitter. Criteria: ACMG Guidelines, 2015. Collection method: clinical testing. Allele origin: germline.